The following is an entry in ClinVar:

NM_000264.5(PTCH1):c.3963C>A (p.Asp1321Glu)

Gene: PTCH1 (patched 1; minus strand). Cytogenetic location: 9q22.32.
Variant type: single nucleotide variant.
Coding change: c.3963C>A on transcript NM_000264.5 (MANE Select); coding-DNA position 3963, C replaced by A.
Protein change: p.Asp1321Glu; replaces aspartic acid 1321 with glutamic acid.
Molecular consequence: missense variant. On other transcripts: non-coding transcript variant (1).
Genome position (GRCh38, 1-based): chr9:95,447,293, G>T on the plus strand (C>A on the coding strand, the complement: PTCH1 is on the minus strand). VCF-style: chr9-95447293-G-T. GRCh37 (hg19) VCF-style: chr9-98209575-G-T.
Other names: c.3765C>A, p.Asp1255Glu (NM_001083602.3); c.3960C>A, p.Asp1320Glu (NM_001083603.3); c.3510C>A, p.Asp1170Glu (NM_001083604.3, NM_001083605.3, NM_001083606.3 and 1 more transcripts); c.3807C>A, p.Asp1269Glu (NM_001354918.2); short protein forms D1170E, D1269E, D1320E, D1255E, D1321E.
Identifiers: ClinVar variation 3427219 (VCV003427219.3).
Genomic context (GRCh38, chr9:95,447,293, plus strand): 5'-AGGGCCCCAGCGGGCCCTATTGCTAGGGCCAGAATGCCCTTCAGTAGAAATTTCAAAAGC[G>T]TCTCTGCGCGGTCTGTAGGGGGGTGGCCACAAGCCTTCTCTGGGGGGGTCCCTGCGGGGC-3'
Protein context (NP_000255.2, residues 1311-1331): LWPPPYRPRR[Asp1321Glu]AFEISTEGHS

ClinVar aggregate classification (germline): Uncertain significance. Review status: criteria provided, multiple submitters, no conflicts (2 of 4 stars). 2 submissions from 2 submitters: Uncertain significance (2). Last evaluated 2025-06-24.

Conditions:
Hereditary cancer-predisposing syndrome. Also called: Hereditary Cancer Syndrome; Hereditary neoplastic syndrome; Neoplastic Syndromes, Hereditary; Tumor predisposition. Identifiers: Orphanet 140162, MedGen C0027672, MeSH D009386, MONDO:0015356.
Gorlin syndrome. Also called: Basal cell nevus syndrome; Nevoid Basal Cell Carcinoma Syndrome. Identifiers: Orphanet 377, MedGen C0004779, MONDO:0007187.

Submissions (2):

Labcorp Genetics (formerly Invitae), Labcorp
Classification: Uncertain significance for Gorlin syndrome. Last evaluated: 2025-06-24. Review status: criteria provided, single submitter. Criteria: Invitae Variant Classification Sherloc (09022015). Collection method: clinical testing. Allele origin: germline.
Comment: This sequence change replaces aspartic acid, which is acidic and polar, with glutamic acid, which is acidic and polar, at codon 1321 of the PTCH1 protein (p.Asp1321Glu). This variant is not present in population databases (gnomAD no frequency). This variant has not been reported in the literature in individuals affected with PTCH1-related conditions. ClinVar contains an entry for this variant (Variation ID: 3427219). Invitae Evidence Modeling of protein sequence and biophysical properties (such as structural, functional, and spatial information, amino acid conservation, physicochemical variation, residue mobility, and thermodynamic stability) indicates that this missense variant is not expected to disrupt PTCH1 protein function with a negative predictive value of 95%. In summary, the available evidence is currently insufficient to determine the role of this variant in disease. Therefore, it has been classified as a Variant of Uncertain Significance.

Ambry Genetics
Classification: Uncertain significance for Hereditary cancer-predisposing syndrome. Last evaluated: 2024-07-07. Review status: criteria provided, single submitter. Criteria: Ambry Variant Classification Scheme 2023. Collection method: clinical testing. Allele origin: germline.
Comment: The p.D1321E variant (also known as c.3963C>A), located in coding exon 23 of the PTCH1 gene, results from a C to A substitution at nucleotide position 3963. The aspartic acid at codon 1321 is replaced by glutamic acid, an amino acid with highly similar properties. This amino acid position is conserved. In addition, the in silico prediction for this alteration is inconclusive. Based on the available evidence, the clinical significance of this variant remains unclear.